The following is an entry in ClinVar:

NM_001029883.3(PCARE):c.1918C>G (p.Gln640Glu)

Gene: PCARE (photoreceptor cilium actin regulator; minus strand). Cytogenetic location: 2p23.2.
Variant type: single nucleotide variant.
Coding change: c.1918C>G on transcript NM_001029883.3 (MANE Select); coding-DNA position 1918, C replaced by G.
Protein change: p.Gln640Glu; replaces glutamine 640 with glutamic acid.
Molecular consequence: missense variant.
Genome position (GRCh38, 1-based): chr2:29,072,344, G>C on the plus strand (C>G on the coding strand, the complement: PCARE is on the minus strand). VCF-style: chr2-29072344-G-C. GRCh37 (hg19) VCF-style: chr2-29295210-G-C.
Other names: c.1918C>G (NM_001029883.2); short protein forms Q640E.
Identifiers: ClinVar variation 1423068 (VCV001423068.10), dbSNP rs760955436, ClinGen allele CA1592329.
Genomic context (GRCh38, chr2:29,072,344, plus strand): 5'-TTGGACTGACCCTGCAGGTGCCATTGGGCCACACGGCGGCTGCTCTGGGCTGCAGAATTT[G>C]CTCCTGGCTCTGCCCCTGCCCTTTGGCACCCAGGGCATAAAATGCCTCCAGCTTCTGACT-3'
Protein context (NP_001025054.1, residues 630-650): GAKGQGQSQE[Gln640Glu]ILQPRAAAVW

ClinVar aggregate classification (germline): Uncertain significance. Review status: criteria provided, multiple submitters, no conflicts (2 of 4 stars). 3 submissions from 3 submitters: Uncertain significance (3). Last evaluated 2025-09-05.

Conditions:
PCARE-related disorder. Also called: PCARE-related condition.

Allele frequency attached by ClinVar (database versions not stated): ExAC 0.00003; gnomAD 0.00003 and 0.00004; gnomAD exomes 0.00003 and 0.00005; TOPMed 0.00003.
gnomAD v4.1: 73 of 1,613,934 alleles (0.0045%); highest among the groups gnomAD compares: Non-Finnish European, 0.0058%; no homozygotes.

Submissions (3):

PreventionGenetics, part of Exact Sciences
Classification: Uncertain significance for PCARE-related condition. Last evaluated: 2025-09-05. Review status: criteria provided, single submitter. Criteria: ACMG Guidelines, 2015. Collection method: clinical testing. Allele origin: germline.
Comment: The PCARE c.1918C>G variant is predicted to result in the amino acid substitution p.Gln640Glu. To our knowledge, this variant has not been reported in the literature. This variant is reported in 0.0070% of alleles in individuals of European (Non-Finnish) descent in gnomAD. At this time, the clinical significance of this variant is uncertain due to the absence of conclusive functional and genetic evidence.

Labcorp Genetics (formerly Invitae), Labcorp
Classification: Uncertain significance. Last evaluated: 2024-11-11. Review status: criteria provided, single submitter. Criteria: Invitae Variant Classification Sherloc (09022015). Collection method: clinical testing. Allele origin: germline.
Comment: This sequence change replaces glutamine, which is neutral and polar, with glutamic acid, which is acidic and polar, at codon 640 of the PCARE protein (p.Gln640Glu). This variant is present in population databases (rs760955436, gnomAD 0.006%). This variant has not been reported in the literature in individuals affected with PCARE-related conditions. ClinVar contains an entry for this variant (Variation ID: 1423068). An algorithm developed to predict the effect of missense changes on protein structure and function (PolyPhen-2) suggests that this variant is likely to be tolerated. In summary, the available evidence is currently insufficient to determine the role of this variant in disease. Therefore, it has been classified as a Variant of Uncertain Significance.

Blueprint Genetics
Classification: Uncertain significance. Last evaluated: 2023-06-29. Review status: criteria provided, single submitter. Criteria: ACMG Guidelines, 2015. Collection method: clinical testing. Allele origin: germline.